The following is an entry in ClinVar:

ClinVar aggregate classification (germline): Uncertain significance. Review status: criteria provided, multiple submitters, no conflicts (2 of 4 stars). 2 submissions from 2 submitters: Uncertain significance (2). Last evaluated 2022-07-26.

Conditions:
Neuropathy, hereditary sensory and autonomic, type 2A (HSAN2A). Also called: HSAN IIA; MORVAN DISEASE; NEUROPATHY, CONGENITAL SENSORY; NEUROPATHY, HEREDITARY SENSORY RADICULAR, AUTOSOMAL RECESSIVE; NEUROPATHY, HEREDITARY SENSORY, TYPE IIA; NEUROPATHY, PROGRESSIVE SENSORY, OF CHILDREN. Identifiers: Orphanet 970, MedGen C2752089, MONDO:0024309, OMIM 201300.
Generalized epilepsy with febrile seizures plus, type 7 (GEFSP7). Also called: GEFS+, TYPE 7. Identifiers: Orphanet 36387, MedGen C2751778, MONDO:0013470, OMIM 613863.

Allele frequency attached by ClinVar (database versions not stated): gnomAD exomes below 0.00001.
gnomAD v4.1: 1 of 1,613,966 alleles (0.000062%); highest among the groups gnomAD compares: Non-Finnish European, 0.000085%; no homozygotes.

Submissions (2):

Labcorp Genetics (formerly Invitae), Labcorp
Classification: Uncertain significance for Neuropathy, hereditary sensory and autonomic, type 2A; Generalized epilepsy with febrile seizures plus, type 7. Last evaluated: 2022-07-26. Review status: criteria provided, single submitter. Criteria: Invitae Variant Classification Sherloc (09022015). Collection method: clinical testing. Allele origin: germline.
Comment: In summary, the available evidence is currently insufficient to determine the role of this variant in disease. Therefore, it has been classified as a Variant of Uncertain Significance. Algorithms developed to predict the effect of missense changes on protein structure and function output the following: SIFT: "Tolerated"; PolyPhen-2: "Benign"; Align-GVGD: "Class C0". The aspartic acid amino acid residue is found in multiple mammalian species, which suggests that this missense change does not adversely affect protein function. ClinVar contains an entry for this variant (Variation ID: 808877). This variant has not been reported in the literature in individuals affected with SCN9A-related conditions. This variant is not present in population databases (gnomAD no frequency). This sequence change replaces glycine, which is neutral and non-polar, with aspartic acid, which is acidic and polar, at codon 586 of the SCN9A protein (p.Gly586Asp).

CeGaT Center for Human Genetics Tuebingen
Classification: Uncertain significance. Last evaluated: 2019-03-01. Review status: criteria provided, single submitter. Criteria: CeGaT Center For Human Genetics Tuebingen Variant Classification Criteria Version 2. Collection method: clinical testing. Allele origin: germline. Affected: yes. Observed: 1 variant allele.

NM_001365536.1(SCN9A):c.1757G>A (p.Gly586Asp)

Genes: SCN1A-AS1 (SCN1A and SCN9A antisense RNA 1; plus strand), SCN9A (sodium voltage-gated channel alpha subunit 9; minus strand). Cytogenetic location: 2q24.3.
Variant type: single nucleotide variant.
Coding change: c.1757G>A on transcript NM_001365536.1 (MANE Select); coding-DNA position 1757, G replaced by A.
Protein change: p.Gly586Asp; replaces glycine 586 with aspartic acid.
Molecular consequence: missense variant.
Genome position (GRCh38, 1-based): chr2:166,284,670, C>T on the plus strand (G>A on the coding strand, the complement: SCN9A is on the minus strand). VCF-style: chr2-166284670-C-T. GRCh37 (hg19) VCF-style: chr2-167141180-C-T.
Other names: c.1757G>A, p.Gly586Asp (NM_002977.4); short protein forms G586D.
Identifiers: ClinVar variation 808877 (VCV000808877.48), dbSNP rs1574864414, ClinGen allele CA349083400.